The following is an entry in ClinVar:

ClinVar aggregate classification (germline): Benign (1 of 4 stars; one submission).

Conditions:
Inherited prion disease. Identifiers: Orphanet 280400, MedGen C5679775, MONDO:0017234.

Allele frequency attached by ClinVar (database versions not stated): 1000 Genomes Project 30x 0.00141; gnomAD exomes 0.00159; 1000 Genomes Project 0.00160; gnomAD 0.00170 and 0.00175; TOPMed 0.00191.
gnomAD v4.1: 315 of 183,954 alleles (0.17%); highest among the groups gnomAD compares: Admixed American, 0.33%; 1 homozygote.

Submission:

Illumina Laboratory Services, Illumina
Classification: Benign for Genetic prion diseases. Last evaluated: 2018-01-13. Review status: criteria provided, single submitter. Criteria: ICSL Variant Classification Criteria 13 December 2019. Collection method: clinical testing. Allele origin: germline.
Comment: This variant was observed in the ICSL laboratory as part of a predisposition screen in an ostensibly healthy population. It had not been previously curated by ICSL or reported in the Human Gene Mutation Database (HGMD: prior to June 1st, 2018), and was therefore a candidate for classification through an automated scoring system. Utilizing variant allele frequency, disease prevalence and penetrance estimates, and inheritance mode, an automated score was calculated to assess if this variant is too frequent to cause the disease. Based on the score and internal cut-off values, a variant classified as benign is not then subjected to further curation. The score for this variant resulted in a classification of benign for this disease.

NM_000311.5(PRNP):c.*672C>G

Gene: PRNP (prion protein (Kanno blood group); plus strand). Cytogenetic location: 20p13.
Variant type: single nucleotide variant.
Coding change: c.*672C>G on transcript NM_000311.5 (MANE Select); 672 bases downstream of the stop codon, C replaced by G.
Molecular consequence: 3 prime UTR variant.
Genome position (GRCh38, 1-based): chr20:4,700,654, C>G. VCF-style: chr20-4700654-C-G. GRCh37 (hg19) VCF-style: chr20-4681300-C-G.
Other names: c.*672C>G (NM_001080121.3, NM_001080122.3, NM_001080123.3 and 1 more transcripts); c.*1123C>G (NM_001271561.3).
Identifiers: ClinVar variation 338662 (VCV000338662.5), dbSNP rs183570240, ClinGen allele CA10653196.